The following is an entry in ClinVar:

ClinVar aggregate classification (germline): Likely benign. Review status: criteria provided, multiple submitters, no conflicts (2 of 4 stars). 2 submissions from 2 submitters: Likely benign (2). Last evaluated 2018-06-14.

Allele frequency attached by ClinVar (database versions not stated): gnomAD exomes 0.00123 and 0.00305; ExAC 0.00369; 1000 Genomes Project 0.00958; 1000 Genomes Project 30x 0.01031; gnomAD 0.01088 and 0.01180; TOPMed 0.01233; ESP Exome Variant Server 0.01292.
gnomAD v4.1: 3,540 of 1,609,850 alleles (0.22%); highest among the groups gnomAD compares: African/African-American, 4%; 64 homozygotes.

Submissions (2):

GeneDx
Classification: Likely benign. Last evaluated: 2018-06-14. Review status: criteria provided, single submitter. Criteria: GeneDx Variant Classification (06012015). Collection method: clinical testing. Allele origin: germline. Affected: yes.
Comment: This variant is considered likely benign or benign based on one or more of the following criteria: it is a conservative change, it occurs at a poorly conserved position in the protein, it is predicted to be benign by multiple in silico algorithms, and/or has population frequency not consistent with disease.

Breakthrough Genomics
Classification: Likely benign. Review status: criteria provided, single submitter. Criteria: ACMG Guidelines, 2015. Collection method: not provided. Allele origin: germline. Inheritance: Autosomal recessive inheritance. Affected: yes.

NM_014141.6(CNTNAP2):c.1349-34A>G

Gene: CNTNAP2 (contactin associated protein 2; plus strand). Cytogenetic location: 7q35.
Variant type: single nucleotide variant.
Coding change: c.1349-34A>G on transcript NM_014141.6 (MANE Select); 34 bases into the intron before coding-DNA position 1349, A replaced by G.
Molecular consequence: intron variant.
Genome position (GRCh38, 1-based): chr7:147,300,107, A>G. VCF-style: chr7-147300107-A-G. GRCh37 (hg19) VCF-style: chr7-146997199-A-G.
Identifiers: ClinVar variation 673245 (VCV000673245.2), dbSNP rs114270200, ClinGen allele CA4546036.